The following is an entry in ClinVar:

ClinVar aggregate classification (germline): Uncertain significance. Review status: criteria provided, single submitter (1 of 4 stars). 2 submissions from 2 submitters: Uncertain significance (1). 1 of the submissions does not count toward it. Last evaluated 2022-01-02.

Conditions:
Joubert syndrome. Also called: Familial aplasia of the vermis; CEREBELLOPARENCHYMAL DISORDER IV; JOUBERT-BOLTSHAUSER SYNDROME. Identifiers: Orphanet 475, MedGen C5979921, MONDO:0018772.
Meckel-Gruber syndrome. Also called: Dysencephalia splachnocystica; DYSENCEPHALIA SPLANCHNOCYSTICA; GRUBER SYNDROME. Identifiers: Orphanet 564, MedGen C0265215, MONDO:0018921.

gnomAD v4.1: 4 of 1,613,202 alleles (0.00025%); highest among the groups gnomAD compares: South Asian, 0.0044%; no homozygotes.

Submissions (2):

Labcorp Genetics (formerly Invitae), Labcorp
Classification: Uncertain significance for Joubert syndrome; Meckel-Gruber syndrome. Last evaluated: 2022-01-02. Review status: criteria provided, single submitter. Criteria: Invitae Variant Classification Sherloc (09022015). Collection method: clinical testing. Allele origin: germline.
Comment: In summary, the available evidence is currently insufficient to determine the role of this variant in disease. Therefore, it has been classified as a Variant of Uncertain Significance. Algorithms developed to predict the effect of missense changes on protein structure and function output the following: SIFT: "Tolerated"; PolyPhen-2: "Benign"; Align-GVGD: "Class C0". The alanine amino acid residue is found in multiple mammalian species, which suggests that this missense change does not adversely affect protein function. ClinVar contains an entry for this variant (Variation ID: 1048872). This variant has not been reported in the literature in individuals affected with TCTN2-related conditions. This variant is not present in population databases (gnomAD no frequency). This sequence change replaces threonine, which is neutral and polar, with alanine, which is neutral and non-polar, at codon 375 of the TCTN2 protein (p.Thr375Ala).

Department of Pathology and Laboratory Medicine, Sinai Health System
Classification: Uncertain significance. Review status: no assertion criteria provided. Collection method: clinical testing. Allele origin: unknown. Affected: yes. Study: The Canadian Open Genetics Repository (COGR). Not counted in ClinVar's aggregate classification.
Comment: The TCTN2 p.T375A variant was not identified in the literature nor was it identified in dbSNP, ClinVar or in the following control databases: the 1000 Genomes Project, the NHLBI GO Exome Sequencing Project, or the Genome Aggregation Database (March 6, 2019, v2.1.1). The p.T375 residue is not conserved in mammals and computational analyses (MUT Assesor, SIFT, MutationTaster, Revel, FATHMM, MetaLR, DANN) do not suggest a high likelihood of impact to the protein; however this information is not predictive enough to rule out pathogenicity. The variant occurs outside of the splicing consensus sequence and in silico or computational prediction software programs (Splice AI exome and Splice AI genome) do not predict a deleterious effect on splicing. In summary, based on the above information the clinical significance of this variant cannot be determined with certainty at this time. This variant is classified as a variant of uncertain significance.

NM_024809.5(TCTN2):c.1123A>G (p.Thr375Ala)

Gene: TCTN2 (tectonic family member 2; plus strand). Cytogenetic location: 12q24.31.
Variant type: single nucleotide variant.
Coding change: c.1123A>G on transcript NM_024809.5 (MANE Select); coding-DNA position 1123, A replaced by G.
Protein change: p.Thr375Ala; replaces threonine 375 with alanine.
Molecular consequence: missense variant.
Genome position (GRCh38, 1-based): chr12:123,694,865, A>G. VCF-style: chr12-123694865-A-G. GRCh37 (hg19) VCF-style: chr12-124179412-A-G.
Other names: c.1120A>G, p.Thr374Ala (NM_001143850.3); short protein forms T374A, T375A.
Identifiers: ClinVar variation 1048872 (VCV001048872.6), dbSNP rs1256664879, ClinGen allele CA387142012.